The following is an entry in ClinVar:

ClinVar aggregate classification (germline): Pathogenic. Review status: reviewed by expert panel (3 of 4 stars). 17 submissions from 17 submitters: Pathogenic (1). 16 of the submissions do not count toward it. Last evaluated 2026-04-29.

Conditions:
SGCG-related disorder. Also called: SGCG-related condition.
Inborn genetic diseases. Identifiers: MedGen C0950123, MeSH D030342.
Autosomal recessive limb-girdle muscular dystrophy. Identifiers: Orphanet 102015, MedGen C2931907, MONDO:0015152.
Autosomal recessive limb-girdle muscular dystrophy type 2C (LGMDR5). Also called: MUSCULAR DYSTROPHY, DUCHENNE-LIKE; MUSCULAR DYSTROPHY, LIMB-GIRDLE, AUTOSOMAL RECESSIVE 5. Identifiers: Orphanet 353, MedGen C0410173, MONDO:0009677, OMIM 253700. Disease mechanism: Affects gamma-sarcoglycan and also disrupts the integrity of the entire sarcoglycan complex..

Allele frequency attached by ClinVar (database versions not stated): ExAC 0.00002; gnomAD exomes 0.00003 and 0.00008; gnomAD 0.00015 and 0.00016; TOPMed 0.00042.

Submissions 1 to 9 of 17:

ClinGen Limb Girdle Muscular Dystrophy Variant Curation Expert Panel, ClinGen
Classification: Pathogenic for Autosomal recessive limb-girdle muscular dystrophy. Last evaluated: 2026-04-29. Review status: reviewed by expert panel. Criteria: ClinGen LGMD VCEP ACMG Specifications SGCG V2.0.0. Collection method: curation. Allele origin: germline. Inheritance: Autosomal recessive inheritance.
Comment: The NM_000231.3: c.787G>A variant in SGCG is a missense variant predicted to cause substitution of glutamic acid by lysine at amino acid 263, p.(Glu263Lys). This variant has been detected in at least eight individuals with limb-girdle muscular dystrophy. Of those individuals, three were presumed compound heterozygous for the variant and a second pathogenic variant (c.525del, 1.5 pts, PMID: 32875335, 18285821). Another five individuals were homozygous for the variant (1 pt, PMID: 27708273, 16832103, 28877744, Newcastle University internal data communication) (PM3_Strong). The variant has been reported to segregate with autosomal recessive LGMD in three affected family members from two families (PP1_Strong; PMID: 28877744, Newcastle University internal data communication). At least one patient with this variant displayed progressive limb girdle muscle weakness and reduced gamma-sarcoglycan protein expression, which is highly specific for SGCG-related LGMD (PMID: 16832103; PP4, capped with PP1_Strong). In vitro assays have demonstrated that this variant disrupts membrane localization of the sarcoglycan complex (PMID: 22095924; PS3_Supporting). The computational predictor REVEL gives a score of 0.825, which is above the threshold of 0.7, evidence that correlates with impact to SGCG function (PP3). The upper bound of the 95% confidence interval of the Grpmax variant allele frequency in gnomAD v4.1.1 is 0.000678 (30/60008 Admixed American alleles), which is higher than the LGMD VCEP threshold (<0.00009) for PM2_Supporting and therefore does not meet this criterion. In summary, this variant meets the criteria to be classified as Pathogenic for autosomal recessive limb girdle muscular dystrophy based on the ACMG/AMP criteria applied, as specified by the ClinGen LGMD VCEP (LGMD VCEP specifications version 2.0.0; 04/29/2026): PM3_Strong, PP1_Strong, PS3_Supporting, PP3, PP4.

Labcorp Genetics (formerly Invitae), Labcorp
Classification: Pathogenic for Autosomal recessive limb-girdle muscular dystrophy type 2C. Last evaluated: 2025-12-19. Review status: criteria provided, single submitter. Criteria: Invitae Variant Classification Sherloc (09022015). Collection method: clinical testing. Allele origin: germline. Not counted in ClinVar's aggregate classification.
Comment: This sequence change replaces glutamic acid, which is acidic and polar, with lysine, which is basic and polar, at codon 263 of the SGCG protein (p.Glu263Lys). This variant is present in population databases (rs104894423, gnomAD 0.006%). This missense change has been observed in individual(s) with severe limb-girdle muscular dystrophy (LGMD) (PMID: 16832103, 18285821, 24534832, 25802879, 27708273). In at least one individual the data is consistent with being in trans (on the opposite chromosome) from a pathogenic variant. ClinVar contains an entry for this variant (Variation ID: 2009). Invitae Evidence Modeling of protein sequence and biophysical properties (such as structural, functional, and spatial information, amino acid conservation, physicochemical variation, residue mobility, and thermodynamic stability) indicates that this missense variant is expected to disrupt SGCG protein function with a positive predictive value of 80%. Experimental studies have shown that this missense change affects SGCG function (PMID: 22095924). For these reasons, this variant has been classified as Pathogenic.

Natera, Inc.
Classification: Pathogenic for Limb-girdle muscular dystrophy type 2C. Last evaluated: 2025-12-01. Review status: criteria provided, single submitter. Criteria: Natera Variant Classification Schema (03/2026). Collection method: clinical testing. Allele origin: germline. Not counted in ClinVar's aggregate classification.
Comment: The c.787G>A variant in SGCG is a missense variant predicted to cause substitution of glutamic acid to lysine at amino acid 263. This variant is rare in the general population with a frequency below the threshold expected for the associated phenotype(s). This variant has been observed in one or more individuals affected with the associated recessive disease, as either homozygous or compound heterozygous with a second variant (PMID: 16832103, 18285821). Computational prediction algorithms indicate this variant is likely to affect gene or protein function. Given the available evidence, this variant is classified as Pathogenic.

3billion
Classification: Pathogenic for Autosomal recessive limb-girdle muscular dystrophy type 2C. Last evaluated: 2025-07-08. Review status: criteria provided, single submitter. Criteria: ACMG Guidelines, 2015. Collection method: clinical testing. Allele origin: germline. Affected: yes. Not counted in ClinVar's aggregate classification.
Comment: The variant is observed at an extremely low frequency in the gnomAD v4.1.0 dataset (total allele frequency: 0.009%). Predicted Consequence/Location: Missense variant. The majority of the known disease-causing variants of this gene are variants expected to result in premature termination of the protein. In silico tool predictions suggest damaging effect of the variant on gene or gene product [REVEL: 0.82 (>=0.6, sensitivity 0.68 and specificity 0.92); 3Cnet: 0.78 (> 0.75, sensitivity 0.96 and precision 0.92)]. The same nucleotide change resulting in the same amino acid change has been previously reported as pathogenic/likely pathogenic with strong evidence (ClinVar ID: VCV000002009 /PMID: None). The variant has been observed in multiple (>3) similarly affected unrelated individuals (PMID: 22095924). Therefore, this variant is classified as Pathogenic according to the recommendation of ACMG/AMP guideline.

Ambry Genetics
Classification: Pathogenic for Inborn genetic diseases. Last evaluated: 2025-03-25. Review status: criteria provided, single submitter. Criteria: Ambry Variant Classification Scheme 2023. Collection method: clinical testing. Allele origin: germline. Not counted in ClinVar's aggregate classification.
Comment: The c.787G>A (p.E263K) alteration is located in exon 8 (coding exon 7) of the SGCG gene. This alteration results from a G to A substitution at nucleotide position 787, causing the glutamic acid (E) at amino acid position 263 to be replaced by a lysine (K). Based on data from gnomAD, the A allele has an overall frequency of 0.004% (10/282860) total alleles studied. The highest observed frequency was 0.006% (8/129182) of European (non-Finnish) alleles. This variant has been identified in the homozygous state and/or in conjunction with other SGCG variants in individuals with features consistent with limb-girdle muscular dystrophy (Duncan, 2006; Trabelsi, 2008; DiCapua, 2014; Al-Zaidy, 2015). This amino acid position is highly conserved in available vertebrate species. This alteration is predicted to be deleterious by in silico analysis. Based on the available evidence, this alteration is classified as pathogenic.

First Genomix Gene Laboratory, Genetic Diagnostics Department
Classification: Pathogenic for Autosomal recessive limb-girdle muscular dystrophy type 2C. Last evaluated: 2025-03-19. Review status: criteria provided, single submitter. Criteria: ACMG Guidelines, 2015. Collection method: clinical testing. Allele origin: germline. Inheritance: Autosomal recessive inheritance. Affected: no. Observed: 1 variant allele. Not counted in ClinVar's aggregate classification.

Women's Health and Genetics/Laboratory Corporation of America, LabCorp
Classification: Pathogenic for Autosomal recessive limb-girdle muscular dystrophy. Last evaluated: 2024-08-01. Review status: criteria provided, single submitter. Criteria: LabCorp Variant Classification Summary - May 2015. Collection method: clinical testing. Allele origin: germline. Not counted in ClinVar's aggregate classification.
Comment: Variant summary: SGCG c.787G>A (p.Glu263Lys) results in a conservative amino acid change in the encoded protein sequence. Four of five in-silico tools predict a damaging effect of the variant on protein function. The variant allele was found at a frequency of 3.2e-05 in 251464 control chromosomes. c.787G>A has been reported in the literature in at-least two siblings affected with Limb-Girdle Muscular Dystrophy, Autosomal Recessive (example, Dicapua_2014). These data indicate that the variant is likely to be associated with disease. At least one publication reports experimental evidence evaluating an impact on protein function. The most pronounced variant effect results in absent at cellular membrane and could not be rescued by kifunensine in HER-911 cells (Soheili_2012). The following publications have been ascertained in the context of this evaluation (PMID: 24534832, 22095924). ClinVar contains an entry for this variant (Variation ID: 2009). Based on the evidence outlined above, the variant was classified as pathogenic.

Fulgent Genetics
Classification: Pathogenic for Autosomal recessive limb-girdle muscular dystrophy type 2C. Last evaluated: 2024-04-19. Review status: criteria provided, single submitter. Criteria: ACMG Guidelines, 2015. Collection method: clinical testing. Allele origin: germline. Not counted in ClinVar's aggregate classification.

Revvity Omics, Revvity
Classification: Pathogenic for Autosomal recessive limb-girdle muscular dystrophy type 2C. Last evaluated: 2024-03-06. Review status: criteria provided, single submitter. Criteria: ACMG Guidelines, 2015. Collection method: clinical testing. Allele origin: germline. Not counted in ClinVar's aggregate classification.

NM_000231.3(SGCG):c.787G>A (p.Glu263Lys)

Gene: SGCG (sarcoglycan gamma; plus strand). Cytogenetic location: 13q12.12.
Variant type: single nucleotide variant.
Coding change: c.787G>A on transcript NM_000231.3 (MANE Select); coding-DNA position 787, G replaced by A.
Protein change: p.Glu263Lys; replaces glutamic acid 263 with lysine.
Molecular consequence: missense variant.
Genome position (GRCh38, 1-based): chr13:23,324,452, G>A. VCF-style: chr13-23324452-G-A. GRCh37 (hg19) VCF-style: chr13-23898591-G-A.
Other names: NM_000231.3(SGCG):c.787G>A; c.841G>A, p.Glu281Lys (NM_001378244.1); c.787G>A, p.Glu263Lys (NM_001378245.1, NM_001378246.1); short protein forms E263K, E281K.
Identifiers: ClinVar variation 2009 (VCV000002009.74), dbSNP rs104894423, ClinGen allele CA220515.